The following is an entry in ClinVar:

NM_000218.3(KCNQ1):c.1336G>A (p.Asp446Asn)

Gene: KCNQ1 (potassium voltage-gated channel subfamily Q member 1; plus strand). Cytogenetic location: 11p15.5.
Variant type: single nucleotide variant.
Coding change: c.1336G>A on transcript NM_000218.3 (MANE Select); coding-DNA position 1336, G replaced by A.
Protein change: p.Asp446Asn; replaces aspartic acid 446 with asparagine.
Molecular consequence: missense variant.
Genome position (GRCh38, 1-based): chr11:2,588,797, G>A. VCF-style: chr11-2588797-G-A. GRCh37 (hg19) VCF-style: chr11-2610027-G-A.
Other names: p.D446N:GAC>AAC; c.1240G>A, p.Asp414Asn (NM_001406836.1); c.1066G>A, p.Asp356Asn (NM_001406837.1); c.796G>A, p.Asp266Asn (NM_001406838.1); c.955G>A, p.Asp319Asn (NM_181798.2); short protein forms D319N, D446N, D356N, D414N, D266N.
Identifiers: ClinVar variation 200846 (VCV000200846.22), dbSNP rs149089817, ClinGen allele CA005599.

ClinVar aggregate classification (germline): Conflicting classifications of pathogenicity. Review status: criteria provided, conflicting classifications (1 of 4 stars). 7 submissions from 7 submitters: Uncertain significance (6); Likely benign (1). Last evaluated 2025-11-05.

Conditions:
Cardiovascular phenotype. Identifiers: MedGen CN230736.
Cardiac arrhythmia. Also called: Arrhythmia; Cardiac rhythm disease. Identifiers: MedGen C0003811, MONDO:0007263, HP:0011675.
Beckwith-Wiedemann syndrome (BWS). Also called: Exomphalos macroglossia gigantism syndrome; EMG SYNDROME. Identifiers: Orphanet 116, MedGen C0004903, MONDO:0007534, OMIM 130650.
Jervell and Lange-Nielsen syndrome 1 (JLNS1). Also called: CARDIOAUDITORY SYNDROME OF JERVELL AND LANGE-NIELSEN; DEAFNESS, CONGENITAL, AND FUNCTIONAL HEART DISEASE; SURDO-CARDIAC SYNDROME; PROLONGED QT INTERVAL IN EKG AND SUDDEN DEATH. Identifiers: Orphanet 768, Orphanet 90647, MedGen C4551509, MONDO:0024540, OMIM 220400.
Long QT syndrome 1 (LQT1). Identifiers: Orphanet 101016, Orphanet 768, MedGen C4551647, MONDO:0100316, OMIM 192500, MONDO:0008646.
Short QT syndrome type 2. Identifiers: Orphanet 51083, MedGen C1865019, MONDO:0012313, OMIM 609621.
Atrial fibrillation, familial, 3 (ATFB3). Identifiers: MedGen C1837014, MONDO:0011857, OMIM 607554.
Long QT syndrome (LQTS). Identifiers: MedGen C0023976, MeSH D008133, MONDO:0002442. Disease mechanism: loss of function. Inheritance: Various modes of inheritance.

Allele frequency attached by ClinVar (database versions not stated): gnomAD 0.00001 and 0.00002; gnomAD exomes 0.00001 and 0.00004; TOPMed 0.00004; ExAC 0.00006; ESP Exome Variant Server 0.00008.
gnomAD v4.1: 26 of 1,613,398 alleles (0.0016%); highest among the groups gnomAD compares: East Asian, 0.0022%; no homozygotes.

Submissions (7):

Labcorp Genetics (formerly Invitae), Labcorp
Classification: Likely benign for Long QT syndrome. Last evaluated: 2025-11-05. Review status: criteria provided, single submitter. Criteria: Invitae Variant Classification Sherloc (09022015). Collection method: clinical testing. Allele origin: germline.

Color Diagnostics, LLC DBA Color Health
Classification: Uncertain significance for Cardiac arrhythmia. Last evaluated: 2025-06-04. Review status: criteria provided, single submitter. Criteria: ACMG Guidelines, 2015. Collection method: clinical testing. Allele origin: germline.
Comment: This missense variant replaces aspartic acid with asparagine at codon 446 of the KCNQ1 protein. Computational prediction suggests that this variant may not impact protein structure and function. A functional study has shown that this variant disrupts a redox motif and inhibits S-nitrosylation of the KCNQ1 channel (PMID: 19124472). This variant has not been reported in individuals affected with cardiovascular disorders in the literature but has been observed in an unaffected individual (PMID: 25854863). This variant has been identified in 9/250462 chromosomes in the general population by the Genome Aggregation Database (gnomAD). The available evidence is insufficient to determine the role of this variant in disease conclusively. Therefore, this variant is classified as a Variant of Uncertain Significance.

Blueprint Genetics
Classification: Uncertain significance. Last evaluated: 2024-10-02. Review status: criteria provided, single submitter. Criteria: ACMG Guidelines, 2015. Collection method: clinical testing. Allele origin: germline.

All of Us Research Program, National Institutes of Health
Classification: Uncertain significance for Long QT syndrome. Last evaluated: 2023-12-01. Review status: criteria provided, single submitter. Criteria: ACMG Guidelines, 2015. Collection method: clinical testing. Allele origin: germline. Inheritance: Autosomal dominant inheritance. Observed: 5 variant alleles, 5 heterozygotes.
Comment: This missense variant replaces aspartic acid with asparagine at codon 446 of the KCNQ1 protein. Computational prediction suggests that this variant may not impact protein structure and function (internally defined REVEL score threshold <= 0.5, PMID: 27666373). A functional study has shown that this variant disrupts a redox motif and inhibits S-nitrosylation of the KCNQ1 channel (PMID: 19124472). This variant has not been reported in individuals affected with cardiovascular disorders in the literature but has been observed in an unaffected individual (PMID: 25854863). This variant has been identified in 9/250462 chromosomes in the general population by the Genome Aggregation Database (gnomAD). The available evidence is insufficient to determine the role of this variant in disease conclusively. Therefore, this variant is classified as a Variant of Uncertain Significance.

This study involves interpretation of variants in research participants for the purpose of population health screening. Participant phenotype was not available at the time of variant classification. Additional details can be found in publication PMID: 35346344, PMCID: PMC8962531

Fulgent Genetics
Classification: Uncertain significance for Beckwith-Wiedemann syndrome; Long QT syndrome 1; Jervell and Lange-Nielsen syndrome 1; Atrial fibrillation, familial, 3; Short QT syndrome type 2. Last evaluated: 2021-08-31. Review status: criteria provided, single submitter. Criteria: ACMG Guidelines, 2015. Collection method: clinical testing. Allele origin: unknown.

GeneDx
Classification: Uncertain significance. Last evaluated: 2021-01-22. Review status: criteria provided, single submitter. Criteria: GeneDx Variant Classification Process June 2021. Collection method: clinical testing. Allele origin: germline. Affected: yes.
Comment: In silico analysis supports that this missense variant does not alter protein structure/function; Reported in ClinVar (ClinVar Variant ID# 200846; Landrum et al., 2016); In vitro studies of the Asp446Asn variant demonstrated that replacement of the negatively charged Aspartic acid with a neutral Asparagine at this residue inhibited protein S-nitrosylation, which the authors suggest is a regulatory mechanism for the KCNQ1 ion channel (Asada et al., 2009); This variant is associated with the following publications: (PMID: 19124472)

Ambry Genetics
Classification: Uncertain significance for Cardiovascular phenotype. Last evaluated: 2019-04-22. Review status: criteria provided, single submitter. Criteria: Ambry Variant Classification Scheme 2023. Collection method: clinical testing. Allele origin: germline.
Comment: The p.D446N variant (also known as c.1336G>A), located in coding exon 10 of the KCNQ1 gene, results from a G to A substitution at nucleotide position 1336. The aspartic acid at codon 446 is replaced by asparagine, an amino acid with highly similar properties, and is located in the C-terminal region. This variant has been reported as a control variant, and in a stillbirth cohort; however, clinical details were limited (Kapplinger JD et al. J Cardiovasc Transl Res, 2015 Apr;8:187-97; Sahlin E et al. PLoS ONE, 2019 Jan;14:e0210017). Assays from one study indicated this variant may impact S-nitrosylation of a neighboring residue; however, the physiological relevance of this finding is unclear (Asada K et al. J. Biol. Chem., 2009 Feb;284:6014-20). Another variant affecting this codon (p.D446E, c.1338C>G) has been detected in long QT syndrome genetic testing and sudden death cohorts; however, clinical details were limited Kapplinger JD et al. Heart Rhythm, 2009 Sep;6:1297-303; M&aacute;rquez MF et al. Arch Cardiol Mex;85:68-72). This amino acid position is not well conserved in available vertebrate species. In addition, the in silico prediction for this alteration is inconclusive. Since supporting evidence is limited at this time, the clinical significance of this alteration remains unclear.

Literature cited by the submitters: PubMed 19124472 (cited by 3 submitters); PubMed 25854863 (cited by 3 submitters); PubMed 30615648 (cited by Ambry Genetics).